The following is an entry in ClinVar:

ClinVar aggregate classification (germline): Uncertain significance (1 of 4 stars; one submission).

Submission:

CeGaT Center for Human Genetics Tuebingen
Classification: Uncertain significance. Last evaluated: 2023-02-01. Review status: criteria provided, single submitter. Criteria: CeGaT Center For Human Genetics Tuebingen Variant Classification Criteria Version 2. Collection method: clinical testing. Allele origin: germline. Affected: yes. Observed: 1 variant allele.
Comment: NFKB1: PM2, BP4

NM_003998.4(NFKB1):c.2828T>C (p.Leu943Pro)

Gene: NFKB1 (nuclear factor kappa B subunit 1; plus strand). Cytogenetic location: 4q24.
Variant type: single nucleotide variant.
Coding change: c.2828T>C on transcript NM_003998.4 (MANE Select); coding-DNA position 2828, T replaced by C.
Protein change: p.Leu943Pro; replaces leucine 943 with proline.
Molecular consequence: missense variant.
Genome position (GRCh38, 1-based): chr4:102,616,512, T>C. VCF-style: chr4-102616512-T-C. GRCh37 (hg19) VCF-style: chr4-103537669-T-C.
Other names: c.2825T>C, p.Leu942Pro (NM_001165412.2, NM_001319226.2, NM_001382627.1); c.2828T>C, p.Leu943Pro (NM_001382625.1, NM_001382626.1); c.2786T>C, p.Leu929Pro (NM_001382628.1); short protein forms L929P, L942P, L943P.
Identifiers: ClinVar variation 2654983 (VCV002654983.24), dbSNP rs2476648134, ClinGen allele CA357755844.